The following is an entry in ClinVar:

NM_001005373.4(LRSAM1):c.952A>C (p.Asn318His)

Gene: LRSAM1 (leucine rich repeat and sterile alpha motif containing 1; plus strand). Cytogenetic location: 9q33.3.
Variant type: single nucleotide variant.
Coding change: c.952A>C on transcript NM_001005373.4 (MANE Select); coding-DNA position 952, A replaced by C.
Protein change: p.Asn318His; replaces asparagine 318 with histidine.
Molecular consequence: missense variant. On other transcripts: non-coding transcript variant (2).
Genome position (GRCh38, 1-based): chr9:127,479,887, A>C. VCF-style: chr9-127479887-A-C. GRCh37 (hg19) VCF-style: chr9-130242166-A-C.
Other names: c.952A>C, p.Asn318His (NM_001005374.4, NM_001190723.3, NM_001384142.1 and 2 more transcripts); c.163A>C, p.Asn55His (NM_001384144.1); short protein forms N318H, N55H.
Identifiers: ClinVar variation 3610993 (VCV003610993.2).

ClinVar aggregate classification (germline): Uncertain significance (1 of 4 stars; one submission).

Conditions:
Charcot-Marie-Tooth disease axonal type 2P. Also called: CHARCOT-MARIE-TOOTH DISEASE, AXONAL, TYPE 2G; CMT 2G; CHARCOT-MARIE-TOOTH NEUROPATHY, TYPE 2P; Charcot-Marie-Tooth Neuropathy Type 2G. Identifiers: Orphanet 300319, Orphanet 99941, MedGen C3280797, MONDO:0013753, OMIM 614436.

gnomAD v4.1: 1 of 1,613,932 alleles (0.000062%); highest among the groups gnomAD compares: South Asian, 0.0011%; no homozygotes.

Submission:

Labcorp Genetics (formerly Invitae), Labcorp
Classification: Uncertain significance for Charcot-Marie-Tooth disease axonal type 2P. Last evaluated: 2024-04-06. Review status: criteria provided, single submitter. Criteria: Invitae Variant Classification Sherloc (09022015). Collection method: clinical testing. Allele origin: germline.
Comment: This sequence change replaces asparagine, which is neutral and polar, with histidine, which is basic and polar, at codon 318 of the LRSAM1 protein (p.Asn318His). This variant is not present in population databases (gnomAD no frequency). This variant has not been reported in the literature in individuals affected with LRSAM1-related conditions. Advanced modeling of protein sequence and biophysical properties (such as structural, functional, and spatial information, amino acid conservation, physicochemical variation, residue mobility, and thermodynamic stability) performed at Invitae indicates that this missense variant is not expected to disrupt LRSAM1 protein function with a negative predictive value of 80%. In summary, the available evidence is currently insufficient to determine the role of this variant in disease. Therefore, it has been classified as a Variant of Uncertain Significance.